The following is an entry in ClinVar:

NM_002661.5(PLCG2):c.3406G>A (p.Val1136Ile)

Gene: PLCG2 (phospholipase C gamma 2; plus strand). Cytogenetic location: 16q23.3.
Variant type: single nucleotide variant.
Coding change: c.3406G>A on transcript NM_002661.5 (MANE Select); coding-DNA position 3406, G replaced by A.
Protein change: p.Val1136Ile; replaces valine 1136 with isoleucine.
Molecular consequence: missense variant.
Genome position (GRCh38, 1-based): chr16:81,939,984, G>A. VCF-style: chr16-81939984-G-A. GRCh37 (hg19) VCF-style: chr16-81973589-G-A.
Other names: c.3406G>A, p.Val1136Ile (NM_001425749.1, NM_001425750.1, NM_001425751.1); short protein forms V1136I.
Identifiers: ClinVar variation 2711461 (VCV002711461.3), dbSNP rs1910872669, ClinGen allele CA396908691.

ClinVar aggregate classification (germline): Uncertain significance (1 of 4 stars; one submission).

Conditions:
Familial cold autoinflammatory syndrome 3 (FCAS3). Also called: FAMILIAL ATYPICAL COLD URTICARIA; ANTIBODY DEFICIENCY AND IMMUNE DYSREGULATION, PLCG2-ASSOCIATED. Identifiers: Orphanet 300359, MedGen C3280914, MONDO:0013766, OMIM 614468.

Submission:

Labcorp Genetics (formerly Invitae), Labcorp
Classification: Uncertain significance for Familial cold autoinflammatory syndrome 3. Last evaluated: 2024-08-19. Review status: criteria provided, single submitter. Criteria: Invitae Variant Classification Sherloc (09022015). Collection method: clinical testing. Allele origin: germline.
Comment: This sequence change replaces valine, which is neutral and non-polar, with isoleucine, which is neutral and non-polar, at codon 1136 of the PLCG2 protein (p.Val1136Ile). This variant is not present in population databases (gnomAD no frequency). This variant has not been reported in the literature in individuals affected with PLCG2-related conditions. An algorithm developed to predict the effect of missense changes on protein structure and function (PolyPhen-2) suggests that this variant is likely to be disruptive. In summary, the available evidence is currently insufficient to determine the role of this variant in disease. Therefore, it has been classified as a Variant of Uncertain Significance.